The following is an entry in ClinVar:

ClinVar aggregate classification (germline): Pathogenic. Review status: criteria provided, multiple submitters, no conflicts (2 of 4 stars). 2 submissions from 2 submitters: Pathogenic (2). Last evaluated 2022-12-13.

Conditions:
C2ORF71 & PCARE-related disorders.

Submissions (2):

Labcorp Genetics (formerly Invitae), Labcorp
Classification: Pathogenic. Last evaluated: 2022-12-13. Review status: criteria provided, single submitter. Criteria: Invitae Variant Classification Sherloc (09022015). Collection method: clinical testing. Allele origin: germline.
Comment: ClinVar contains an entry for this variant (Variation ID: 865992). For these reasons, this variant has been classified as Pathogenic. This variant has not been reported in the literature in individuals affected with PCARE-related conditions. This variant is not present in population databases (gnomAD no frequency). This sequence change creates a premature translational stop signal (p.Ala628Glyfs*50) in the PCARE gene. It is expected to result in an absent or disrupted protein product. Loss-of-function variants in PCARE are known to be pathogenic (PMID: 20398886, 24339724, 26496393).

Blueprint Genetics
Classification: Pathogenic for C2ORF71 & PCARE-related disorders. Last evaluated: 2022-06-16. Review status: criteria provided, single submitter. Criteria: ACMG Guidelines, 2015. Collection method: clinical testing. Allele origin: germline. Affected: yes. Observed: 5 variant alleles.

Literature cited by the submitters: PubMed 20398886 (cited by Labcorp Genetics (formerly Invitae), Labcorp); PubMed 24339724 (cited by Labcorp Genetics (formerly Invitae), Labcorp); PubMed 26496393 (cited by Labcorp Genetics (formerly Invitae), Labcorp).

NM_001029883.3(PCARE):c.1883_1887del (p.Ala628fs)

Gene: PCARE (photoreceptor cilium actin regulator; minus strand). Cytogenetic location: 2p23.2.
Variant type: Deletion.
Coding change: c.1883_1887del on transcript NM_001029883.3 (MANE Select); coding-DNA positions 1883 to 1887, 5 bases deleted (CCCTG; older notation c.1883_1887delCCCTG).
Protein change: p.Ala628fs; shifts the reading frame from alanine 628.
Molecular consequence: frameshift variant.
Genome position (GRCh38, 1-based): chr2:29,072,375-29,072,379, CAGGG deleted on the plus strand (CCCTG on the coding strand, the reverse complement: PCARE is on the minus strand); deleting any 5 consecutive bases within chr2:29,072,375-29,072,381 gives the same sequence; the c. name uses the placement nearest the transcript's 3' end. VCF-style (leftmost placement, unchanged base first): chr2-29072374-CCAGGG-C. GRCh37 (hg19) VCF-style: chr2-29295240-CCAGGG-C.
Other names: short protein forms A628fs.
Identifiers: ClinVar variation 865992 (VCV000865992.7), dbSNP rs1667506537, ClinGen allele CA425617105.